The following is an entry in ClinVar:

ClinVar aggregate classification (germline): Benign (0 of 4 stars; one submission).

Conditions:
SLC7A2-related disorder. Also called: SLC7A2-related condition.

Allele frequency attached by ClinVar (database versions not stated): gnomAD exomes 0.00974; ESP Exome Variant Server 0.01491; ExAC 0.02545; gnomAD 0.02569; TOPMed 0.02651; 1000 Genomes Project 30x 0.05434; 1000 Genomes Project 0.05491.

Submission:

PreventionGenetics, part of Exact Sciences
Classification: Benign for SLC7A2-related condition. Last evaluated: 2019-11-26. Review status: no assertion criteria provided. Collection method: clinical testing. Allele origin: germline.
Comment: This variant is classified as benign based on ACMG/AMP sequence variant interpretation guidelines (Richards et al. 2015 PMID: 25741868, with internal and published modifications).

NM_001370338.1(SLC7A2):c.-22-4388_-22-4387insC

Gene: SLC7A2 (solute carrier family 7 member 2; plus strand). Cytogenetic location: 8p22.
Variant type: Insertion.
Coding change: c.-22-4388_-22-4387insC on transcript NM_001370338.1 (MANE Select); 4388 bases into the intron before 22 bases upstream of the start codon through 4387 bases into the intron before 22 bases upstream of the start codon, C inserted.
Molecular consequence: intron variant.
Genome position: GRCh38 VCF-style: chr8-17538930-T-TC. GRCh37 (hg19) VCF-style: chr8-17396439-T-TC.
Other names: c.-22-4388_-22-4387insC (NM_001370337.1, NM_001008539.4); c.98+8_98+9insC (NM_001164771.2, NM_003046.6).
Identifiers: ClinVar variation 3059505 (VCV003059505.2), dbSNP rs75080313, ClinGen allele CA4644517.